The following is an entry in ClinVar:

NM_000214.3(JAG1):c.2372+3_2372+6del

Gene: JAG1 (jagged canonical Notch ligand 1; minus strand). Cytogenetic location: 20p12.2.
Variant type: Deletion.
Coding change: c.2372+3_2372+6del on transcript NM_000214.3 (MANE Select); bases 3 to 6 of the intron after coding-DNA position 2372, 4 bases deleted (AAGT; older notation c.2372+3_2372+6delAAGT).
Molecular consequence: splice donor variant.
Genome position (GRCh38, 1-based): chr20:10,644,351-10,644,354, ACTT deleted on the plus strand (AAGT on the coding strand, the reverse complement: JAG1 is on the minus strand); deleting any 4 consecutive bases within chr20:10,644,351-10,644,356 gives the same sequence; the c. name uses the placement nearest the transcript's 3' end. VCF-style (leftmost placement, unchanged base first): chr20-10644350-CACTT-C. GRCh37 (hg19) VCF-style: chr20-10624998-CACTT-C.
Identifiers: ClinVar variation 838922 (VCV000838922.12), dbSNP rs2067293629, ClinGen allele CA916083744.

ClinVar aggregate classification (germline): Conflicting classifications of pathogenicity. Review status: criteria provided, conflicting classifications (1 of 4 stars). 3 submissions from 3 submitters: Likely pathogenic (1); Uncertain significance (2). Last evaluated 2023-03-30.

Conditions:
Alagille syndrome due to a JAG1 point mutation. Also called: HEPATIC DUCTULAR HYPOPLASIA, SYNDROMATIC; Alagille Syndrome 1; JAG1-Related Alagille Syndrome. Identifiers: Orphanet 261619, Orphanet 52, MedGen C1956125, MONDO:0016862, OMIM 118450.
JAG1-related disorder. Also called: JAG1-related condition; JAG1-related disorders.

Submissions (3):

Labcorp Genetics (formerly Invitae), Labcorp
Classification: Uncertain significance for Alagille syndrome due to a JAG1 point mutation. Last evaluated: 2023-03-30. Review status: criteria provided, single submitter. Criteria: Invitae Variant Classification Sherloc (09022015). Collection method: clinical testing. Allele origin: germline.
Comment: This sequence change falls in intron 19 of the JAG1 gene. It does not directly change the encoded amino acid sequence of the JAG1 protein. It affects a nucleotide within the consensus splice site. This variant is not present in population databases (gnomAD no frequency). This variant has been observed in individuals with Alagille syndrome (PMID: 10220506; Invitae). This variant is also known as c.2785+3delAAGT. ClinVar contains an entry for this variant (Variation ID: 838922). Variants that disrupt the consensus splice site are a relatively common cause of aberrant splicing (PMID: 17576681, 9536098). Algorithms developed to predict the effect of sequence changes on RNA splicing suggest that this variant may disrupt the consensus splice site. In summary, the available evidence is currently insufficient to determine the role of this variant in disease. Therefore, it has been classified as a Variant of Uncertain Significance.

GeneDx
Classification: Uncertain significance. Last evaluated: 2022-07-05. Review status: criteria provided, single submitter. Criteria: GeneDx Variant Classification Process June 2021. Collection method: clinical testing. Allele origin: germline. Affected: yes.
Comment: Not observed at significant frequency in large population cohorts (gnomAD); In silico analysis supports a deleterious effect on splicing; This variant is associated with the following publications: (PMID: 10220506)

Blueprint Genetics
Classification: Likely pathogenic for JAG1-related disorders. Last evaluated: 2021-11-01. Review status: criteria provided, single submitter. Criteria: ACMG Guidelines, 2015. Collection method: clinical testing. Allele origin: germline. Affected: yes. Observed: 3 variant alleles.

Literature cited by the submitters: PubMed 10220506 (cited by Labcorp Genetics (formerly Invitae), Labcorp); PubMed 17576681 (cited by Labcorp Genetics (formerly Invitae), Labcorp); PubMed 9536098 (cited by Labcorp Genetics (formerly Invitae), Labcorp).